The following is an entry in ClinVar:

ClinVar aggregate classification (germline): Uncertain significance. Review status: criteria provided, multiple submitters, no conflicts (2 of 4 stars). 3 submissions from 3 submitters: Uncertain significance (3). Last evaluated 2025-07-23.

Conditions:
Charcot-Marie-Tooth disease type 4. Also called: Charcot-Marie-Tooth, Type 4; Charcot-Marie-Tooth disease, type IV. Identifiers: Orphanet 64749, MedGen C4082197, MONDO:0018995.

Allele frequency attached by ClinVar (database versions not stated): ExAC 0.00002; TOPMed 0.00002; gnomAD 0.00003.
gnomAD v4.1: 96 of 1,614,082 alleles (0.0059%); highest among the groups gnomAD compares: Non-Finnish European, 0.0078%; no homozygotes.

Submissions (3):

Women's Health and Genetics/Laboratory Corporation of America, LabCorp
Classification: Uncertain significance. Last evaluated: 2025-07-23. Review status: criteria provided, single submitter. Criteria: LabCorp Variant Classification Summary - May 2015. Collection method: clinical testing. Allele origin: germline.
Comment: Variant summary: SBF2 c.3376A>T (p.Ile1126Leu) results in a conservative amino acid change in the encoded protein sequence. Algorithms developed to predict the effect of missense changes on protein structure and function are either unavailable or do not agree on the potential impact of this missense change. The variant allele was found at a frequency of 2e-05 in 251476 control chromosomes. The available data on variant occurrences in the general population are insufficient to allow any conclusion about variant significance. To our knowledge, no occurrence of c.3376A>T in individuals affected with Charcot-Marie-Tooth disease type 4B2 and no experimental evidence demonstrating its impact on protein function have been reported. ClinVar contains an entry for this variant (Variation ID: 448240). Based on the evidence outlined above, the variant was classified as uncertain significance.

Labcorp Genetics (formerly Invitae), Labcorp
Classification: Uncertain significance for Charcot-Marie-Tooth disease type 4. Last evaluated: 2022-07-26. Review status: criteria provided, single submitter. Criteria: Invitae Variant Classification Sherloc (09022015). Collection method: clinical testing. Allele origin: germline.
Comment: This sequence change replaces isoleucine, which is neutral and non-polar, with leucine, which is neutral and non-polar, at codon 1126 of the SBF2 protein (p.Ile1126Leu). This variant is present in population databases (rs747669195, gnomAD 0.005%). This variant has not been reported in the literature in individuals affected with SBF2-related conditions. ClinVar contains an entry for this variant (Variation ID: 448240). Algorithms developed to predict the effect of missense changes on protein structure and function (SIFT, PolyPhen-2, Align-GVGD) all suggest that this variant is likely to be tolerated. In summary, the available evidence is currently insufficient to determine the role of this variant in disease. Therefore, it has been classified as a Variant of Uncertain Significance.

Athena Diagnostics
Classification: Uncertain significance. Last evaluated: 2022-05-10. Review status: criteria provided, single submitter. Criteria: Athena Diagnostics Criteria. Collection method: clinical testing. Allele origin: unknown.

NM_030962.4(SBF2):c.3376A>T (p.Ile1126Leu)

Genes: SBF2 (SET binding factor 2; minus strand), LOC101928008 (uncharacterized LOC101928008; plus strand). Cytogenetic location: 11p15.4.
Variant type: single nucleotide variant.
Coding change: c.3376A>T on transcript NM_030962.4 (MANE Select); coding-DNA position 3376, A replaced by T.
Protein change: p.Ile1126Leu; replaces isoleucine 1126 with leucine.
Molecular consequence: missense variant.
Genome position (GRCh38, 1-based): chr11:9,839,577, T>A on the plus strand (A>T on the coding strand, the complement: SBF2 is on the minus strand). VCF-style: chr11-9839577-T-A. GRCh37 (hg19) VCF-style: chr11-9861124-T-A.
Other names: c.3376A>T, p.Ile1126Leu (NM_001386339.1); c.3247A>T, p.Ile1083Leu (NM_001386342.1); short protein forms I1126L, I1083L.
Identifiers: ClinVar variation 448240 (VCV000448240.7), dbSNP rs747669195, ClinGen allele CA5881300.